The following is an entry in ClinVar:

NM_003482.4(KMT2D):c.1026C>A (p.Asn342Lys)

Gene: KMT2D (lysine methyltransferase 2D; minus strand). Cytogenetic location: 12q13.12.
Variant type: single nucleotide variant.
Coding change: c.1026C>A on transcript NM_003482.4 (MANE Select); coding-DNA position 1026, C replaced by A.
Protein change: p.Asn342Lys; replaces asparagine 342 with lysine.
Molecular consequence: missense variant.
Genome position (GRCh38, 1-based): chr12:49,053,001, G>T on the plus strand (C>A on the coding strand, the complement: KMT2D is on the minus strand). VCF-style: chr12-49053001-G-T. GRCh37 (hg19) VCF-style: chr12-49446784-G-T.
Other names: short protein forms N342K.
Identifiers: ClinVar variation 2980047 (VCV002980047.3), dbSNP rs1938173855, ClinGen allele CA384678436.

ClinVar aggregate classification (germline): Uncertain significance (1 of 4 stars; one submission).

Conditions:
Kabuki syndrome. Also called: NIIKAWA-KUROKI SYNDROME; Kabuki make-up syndrome. Identifiers: Orphanet 2322, MedGen C0796004, MONDO:0016512.

Allele frequency attached by ClinVar (database versions not stated): TOPMed below 0.00001.

Submission:

Labcorp Genetics (formerly Invitae), Labcorp
Classification: Uncertain significance for Kabuki syndrome. Last evaluated: 2024-01-07. Review status: criteria provided, single submitter. Criteria: Invitae Variant Classification Sherloc (09022015). Collection method: clinical testing. Allele origin: germline.
Comment: This sequence change replaces asparagine, which is neutral and polar, with lysine, which is basic and polar, at codon 342 of the KMT2D protein (p.Asn342Lys). This variant is not present in population databases (gnomAD no frequency). This variant has not been reported in the literature in individuals affected with KMT2D-related conditions. Advanced modeling of protein sequence and biophysical properties (such as structural, functional, and spatial information, amino acid conservation, physicochemical variation, residue mobility, and thermodynamic stability) has been performed at Invitae for this missense variant, however the output from this modeling did not meet the statistical confidence thresholds required to predict the impact of this variant on KMT2D protein function. In summary, the available evidence is currently insufficient to determine the role of this variant in disease. Therefore, it has been classified as a Variant of Uncertain Significance.